The following is an entry in ClinVar:

NC_000014.9:g.94366668G>A

Genes: SERPINA1 (serpin family A member 1; minus strand), SERPINA2 (serpin family A member 2 (gene/pseudogene); minus strand). Cytogenetic location: 14q32.13.
Variant type: single nucleotide variant.
Molecular consequence: synonymous variant (on NM_006220.3). On other transcripts: non-coding transcript variant (1).
Genome position: GRCh38 VCF-style: chr14-94366668-G-A. GRCh37 (hg19) VCF-style: chr14-94833005-G-A.
Other names: c.31C>T, p.Leu11= (NM_006220.3).
Identifiers: ClinVar variation 2644478 (VCV002644478.24), dbSNP rs117457896, ClinGen allele CA265857246.
Genomic context (GRCh38, chr14:94,366,668, plus strand): 5'-CATCTTCCTGGGGATCCTCAACCAGGGAGCTGGGGACCAGGCAGCACAGGCCTGCCAGCA[G>A]GAGGACGCCCCATGAGACAGAGAATGGTATTGTCCTGCAAGACAGAGGCAGAGGGCCAGG-3'

ClinVar aggregate classification (germline): Likely benign (1 of 4 stars; one submission).

Allele frequency attached by ClinVar (database versions not stated): TOPMed 0.00251; 1000 Genomes Project 30x 0.00344; 1000 Genomes Project 0.00399; gnomAD 0.00408; gnomAD exomes 0.00483.

Submission:

CeGaT Center for Human Genetics Tuebingen
Classification: Likely benign. Last evaluated: 2023-01-01. Review status: criteria provided, single submitter. Criteria: CeGaT Center For Human Genetics Tuebingen Variant Classification Criteria Version 2. Collection method: clinical testing. Allele origin: germline. Affected: yes. Observed: 1 variant allele.
Comment: SERPINA1: BS2